The following is an entry in ClinVar:

ClinVar aggregate classification (germline): Pathogenic (1 of 4 stars; one submission).

Conditions:
Hereditary breast ovarian cancer syndrome. Also called: Hereditary breast and ovarian cancer syndrome; Breast and ovarian cancer; BRCA1- and BRCA2-Associated Hereditary Breast and Ovarian Cancer; Hereditary breast and ovarian cancer syndrome (HBOC); Hereditary breast and ovarian cancer; Hereditary breast and/or ovarian cancer syndrome. Identifiers: Orphanet 145, MedGen C0677776, MeSH D061325, MONDO:0003582. Disease mechanism: loss of function.

Submission:

Labcorp Genetics (formerly Invitae), Labcorp
Classification: Pathogenic for Hereditary breast ovarian cancer syndrome. Last evaluated: 2022-02-03. Review status: criteria provided, single submitter. Criteria: Invitae Variant Classification Sherloc (09022015). Collection method: clinical testing. Allele origin: germline.
Comment: This sequence change creates a premature translational stop signal (p.Arg507*) in the BRCA2 gene. It is expected to result in an absent or disrupted protein product. Loss-of-function variants in BRCA2 are known to be pathogenic (PMID: 20104584). This variant is not present in population databases (gnomAD no frequency). This variant has not been reported in the literature in individuals affected with BRCA2-related conditions. For these reasons, this variant has been classified as Pathogenic.

Literature cited by the submitters: PubMed 20104584.

NM_000059.4(BRCA2):c.1519A>T (p.Arg507Ter)

Gene: BRCA2 (BRCA2 DNA repair associated; plus strand). Cytogenetic location: 13q13.1.
Variant type: single nucleotide variant.
Coding change: c.1519A>T on transcript NM_000059.4 (MANE Select); coding-DNA position 1519, A replaced by T.
Protein change: p.Arg507Ter; replaces arginine 507 with a stop codon.
Molecular consequence: nonsense.
Genome position (GRCh38, 1-based): chr13:32,332,997, A>T. VCF-style: chr13-32332997-A-T. GRCh37 (hg19) VCF-style: chr13-32907134-A-T.
Other names: c.1519A>T, p.Arg507Ter (NM_001406719.1, NM_001406720.1, NM_001406721.1); short protein forms R507*.
Identifiers: ClinVar variation 2092649 (VCV002092649.4), dbSNP rs2137472312, ClinGen allele CA387764551.